The following is an entry in ClinVar:

ClinVar aggregate classification (germline): Uncertain significance (1 of 4 stars; one submission).

Conditions:
Glycogen storage disease type III (GSD3). Also called: Cori disease; FORBES DISEASE. Identifiers: Orphanet 366, MedGen C0017922, MONDO:0009291, OMIM 232400.

Submission:

Labcorp Genetics (formerly Invitae), Labcorp
Classification: Uncertain significance for Glycogen storage disease type III. Last evaluated: 2022-05-30. Review status: criteria provided, single submitter. Criteria: Invitae Variant Classification Sherloc (09022015). Collection method: clinical testing. Allele origin: germline.
Comment: In summary, the available evidence is currently insufficient to determine the role of this variant in disease. Therefore, it has been classified as a Variant of Uncertain Significance. Variants that disrupt the consensus splice site are a relatively common cause of aberrant splicing (PMID: 17576681, 9536098). Algorithms developed to predict the effect of sequence changes on RNA splicing suggest that this variant may disrupt the consensus splice site. This variant has not been reported in the literature in individuals affected with AGL-related conditions. This variant is not present in population databases (gnomAD no frequency). This sequence change falls in intron 14 of the AGL gene. It does not directly change the encoded amino acid sequence of the AGL protein. It affects a nucleotide within the consensus splice site.

Literature cited by the submitters: PubMed 17576681; PubMed 9536098.

NM_000642.3(AGL):c.1899+4A>C

Gene: AGL (amylo-alpha-1,6-glucosidase and 4-alpha-glucanotransferase; plus strand). Cytogenetic location: 1p21.2.
Variant type: single nucleotide variant.
Coding change: c.1899+4A>C on transcript NM_000642.3 (MANE Select); 4 bases into the intron after coding-DNA position 1899, A replaced by C.
Molecular consequence: intron variant.
Genome position (GRCh38, 1-based): chr1:99,880,799, A>C. VCF-style: chr1-99880799-A-C. GRCh37 (hg19) VCF-style: chr1-100346355-A-C.
Other names: c.1899+4A>C (NM_000643.3, NM_000644.3, NM_001425326.1 and 2 more transcripts); c.1851+4A>C (NM_000646.3); c.1698+4A>C (NM_001425327.1); c.1695+4A>C (NM_001425328.1, NM_001425329.1); c.1521+4A>C (NM_001425332.1).
Identifiers: ClinVar variation 2081043 (VCV002081043.2), dbSNP rs2524644639, ClinGen allele CA2566023392.